The following is an entry in ClinVar:

ClinVar aggregate classification (germline): Uncertain significance (1 of 4 stars; one submission).

Conditions:
Chromosome 2q32-q33 deletion syndrome (GLASS). Also called: Glass syndrome; 2q33.1 deletion syndrome. Identifiers: Orphanet 251019, MedGen C2676739, MONDO:0012864, OMIM 612313.

gnomAD v4.1: 1 of 1,614,152 alleles (0.000062%); highest among the groups gnomAD compares: Non-Finnish European, 0.000085%; no homozygotes.

Submission:

Labcorp Genetics (formerly Invitae), Labcorp
Classification: Uncertain significance for Chromosome 2q32-q33 deletion syndrome. Last evaluated: 2025-12-08. Review status: criteria provided, single submitter. Criteria: Invitae Variant Classification Sherloc (09022015). Collection method: clinical testing. Allele origin: germline.
Comment: This sequence change replaces isoleucine, which is neutral and non-polar, with leucine, which is neutral and non-polar, at codon 292 of the SATB2 protein (p.Ile292Leu). This variant is not present in population databases (gnomAD no frequency). This variant has not been reported in the literature in individuals affected with SATB2-related conditions. ClinVar contains an entry for this variant (Variation ID: 2106566). Invitae Evidence Modeling of protein sequence and biophysical properties (such as structural, functional, and spatial information, amino acid conservation, physicochemical variation, residue mobility, and thermodynamic stability) indicates that this missense variant is not expected to disrupt SATB2 protein function with a negative predictive value of 80%. In summary, the available evidence is currently insufficient to determine the role of this variant in disease. Therefore, it has been classified as a Variant of Uncertain Significance.

NM_001172509.2(SATB2):c.874A>C (p.Ile292Leu)

Gene: SATB2 (SATB homeobox 2; minus strand). Cytogenetic location: 2q33.1.
Variant type: single nucleotide variant.
Coding change: c.874A>C on transcript NM_001172509.2 (MANE Select); coding-DNA position 874, A replaced by C.
Protein change: p.Ile292Leu; replaces isoleucine 292 with leucine.
Molecular consequence: missense variant.
Genome position (GRCh38, 1-based): chr2:199,349,000, T>G on the plus strand (A>C on the coding strand, the complement: SATB2 is on the minus strand). VCF-style: chr2-199349000-T-G. GRCh37 (hg19) VCF-style: chr2-200213723-T-G.
Other names: c.874A>C, p.Ile292Leu (NM_001172517.1, NM_015265.4); short protein forms I292L.
Identifiers: ClinVar variation 2106566 (VCV002106566.4), dbSNP rs2468897013, ClinGen allele CA350387947.